The following is an entry in ClinVar:

NM_032520.5(GNPTG):c.609+1G>A

Gene: GNPTG (N-acetylglucosamine-1-phosphate transferase subunit gamma; plus strand). Cytogenetic location: 16p13.3.
Variant type: single nucleotide variant.
Coding change: c.609+1G>A on transcript NM_032520.5 (MANE Select); the canonical splice donor site of the intron after coding-DNA position 609, G replaced by A.
Molecular consequence: splice donor variant.
Genome position (GRCh38, 1-based): chr16:1,362,535, G>A. VCF-style: chr16-1362535-G-A. GRCh37 (hg19) VCF-style: chr16-1412536-G-A.
Identifiers: ClinVar variation 3010973 (VCV003010973.3), dbSNP rs1260510628, ClinGen allele CA394188367.

ClinVar aggregate classification (germline): Pathogenic (1 of 4 stars; one submission).

Allele frequency attached by ClinVar (database versions not stated): gnomAD exomes below 0.00001.
gnomAD v4.1: 1 of 1,614,180 alleles (0.000062%); highest among the groups gnomAD compares: Non-Finnish European, 0.000085%; no homozygotes.

Submission:

Labcorp Genetics (formerly Invitae), Labcorp
Classification: Pathogenic. Last evaluated: 2023-03-01. Review status: criteria provided, single submitter. Criteria: Invitae Variant Classification Sherloc (09022015). Collection method: clinical testing. Allele origin: germline.
Comment: Disruption of this splice site has been observed in individuals with mucolipidosis type III gamma (PMID: 24316125, 29872134). This variant is not present in population databases (gnomAD no frequency). This sequence change affects a donor splice site in intron 8 of the GNPTG gene. It is expected to disrupt RNA splicing. Variants that disrupt the donor or acceptor splice site typically lead to a loss of protein function (PMID: 16199547), and loss-of-function variants in GNPTG are known to be pathogenic (PMID: 19370764, 20301784). Algorithms developed to predict the effect of sequence changes on RNA splicing suggest that this variant may disrupt the consensus splice site. For these reasons, this variant has been classified as Pathogenic.

Literature cited by the submitters: PubMed 24316125; PubMed 29872134; PubMed 16199547; PubMed 19370764; PubMed 20301784.